The following is an entry in ClinVar:

ClinVar aggregate classification (germline): Likely pathogenic (1 of 4 stars; one submission).

Conditions:
Intellectual developmental disorder with dysmorphic facies and behavioral abnormalities. Identifiers: MedGen C4748135, MONDO:0060760, OMIM 618089.

Submission:

Juno Genomics, Hangzhou Juno Genomics, Inc
Classification: Likely pathogenic for Intellectual developmental disorder with dysmorphic facies and behavioral abnormalities. Review status: criteria provided, single submitter. Criteria: ACMG Guidelines, 2015. Collection method: clinical testing. Allele origin: germline.
Comment: Absent from controls (or at extremely low frequency if recessive) in Genome Aggregation Database.;Null variant in a gene where loss of function (LOF) is a known mechanism of disease.;De novo (both maternity and paternity confirmed) in a patient with the disease and no family history.

NM_001190274.2(FBXO11):c.2660del (p.Phe887fs)

Genes: FBXO11 (F-box protein 11; minus strand), MSH6 (mutS homolog 6; plus strand). Cytogenetic location: 2p16.3.
Variant type: Deletion.
Coding change: c.2660del on transcript NM_001190274.2 (MANE Select); coding-DNA position 2660, one base deleted (T; older notation c.2660delT).
Protein change: p.Phe887fs; shifts the reading frame from phenylalanine 887.
Molecular consequence: frameshift variant. On other transcripts: intron variant (6).
Genome position (GRCh38, 1-based): chr2:47,808,242, A deleted on the plus strand (T on the coding strand, the reverse complement: FBXO11 is on the minus strand); the first of 5 consecutive A bases (chr2:47,808,242-47,808,246); deleting any one gives the same sequence. VCF-style (leftmost placement, unchanged base first): chr2-47808241-GA-G. GRCh37 (hg19) VCF-style: chr2-48035380-GA-G.
Other names: c.2408del, p.Phe803fs (NM_001374325.1, NM_025133.4); c.*43+1343del (NM_001406809.1); c.*40+1346del (NM_001406796.1, NM_001406811.1, NM_001406805.1 and 2 more transcripts); short protein forms F803fs, F887fs.
Identifiers: ClinVar variation 5006304 (VCV005006304.2).
Genomic context (GRCh38, chr2:47,808,241, plus strand): 5'-ATGTGTAGGCTCACCAGCTAATGTACAAGGATTAGACAGTGTTCCAGCACCACAGTCACA[GA>G]AAAACCTAAAGCAAAATGAAACCCAAATATTAGAAAAGTGAGGGGGAAAGTAATTGGGTA-3'